The following is an entry in ClinVar:

ClinVar aggregate classification (germline): Likely benign (1 of 4 stars; one submission).

Submission:

Foulkes Cancer Genetics LDI, Lady Davis Institute for Medical Research
Classification: Likely benign. Last evaluated: 2019-07-01. Review status: criteria provided, single submitter. Criteria: ACMG Guidelines, 2015. Collection method: curation. Allele origin: somatic. Affected: yes. Observed: 1 variant allele.
Comment: ACMG criteria met: PM2, BP4, BP7

Literature cited by the submitters: PubMed 26099045.

NM_177438.3(DICER1):c.2830C>A (p.Arg944=)

Gene: DICER1 (dicer 1, ribonuclease III; minus strand). Cytogenetic location: 14q32.13.
Variant type: single nucleotide variant.
Coding change: c.2830C>A on transcript NM_177438.3 (MANE Select); coding-DNA position 2830, C replaced by A.
Protein change: p.Arg944=; no amino-acid change (arginine 944 retained).
Molecular consequence: synonymous variant.
Genome position (GRCh38, 1-based): chr14:95,106,198, G>T on the plus strand (C>A on the coding strand, the complement: DICER1 is on the minus strand). VCF-style: chr14-95106198-G-T. GRCh37 (hg19) VCF-style: chr14-95572535-G-T.
Other names: c.2830C>A, p.Arg944= (NM_001195573.1, NM_001271282.3, NM_001291628.2 and 1 more transcripts).
Identifiers: ClinVar variation 933065 (VCV000933065.2), dbSNP rs137852978, ClinGen allele CA487844792.